The following is an entry in ClinVar:

ClinVar aggregate classification (germline): Pathogenic (1 of 4 stars; one submission).

Conditions:
Marfan syndrome (MFS). Also called: MARFAN SYNDROME, TYPE I; Marfan syndrome type 1; Marfan's syndrome; Marfan syndrome, classic; FBN1-Related Marfan Syndrome. Identifiers: Orphanet 284963, Orphanet 558, MedGen C0024796, MONDO:0007947, OMIM 154700.
Familial thoracic aortic aneurysm and aortic dissection (TAAD). Also called: Thoracic aortic aneurysms and dissections. Identifiers: Orphanet 91387, MedGen C4707243, MONDO:0019625.

Submission:

Labcorp Genetics (formerly Invitae), Labcorp
Classification: Pathogenic for Marfan syndrome; Familial thoracic aortic aneurysm and aortic dissection. Last evaluated: 2023-05-01. Review status: criteria provided, single submitter. Criteria: Invitae Variant Classification Sherloc (09022015). Collection method: clinical testing. Allele origin: germline.
Comment: This variant is not present in population databases (gnomAD no frequency). This sequence change creates a premature translational stop signal (p.Ile116Tyrfs*9) in the FBN1 gene. It is expected to result in an absent or disrupted protein product. Loss-of-function variants in FBN1 are known to be pathogenic (PMID: 17657824, 19293843). This premature translational stop signal has been observed in individual(s) with Marfan syndrome (PMID: 27906200). For these reasons, this variant has been classified as Pathogenic.

Literature cited by the submitters: PubMed 17657824; PubMed 19293843; PubMed 27906200.

NM_000138.5(FBN1):c.345del (p.Ile116fs)

Gene: FBN1 (fibrillin 1; minus strand). Cytogenetic location: 15q21.1.
Variant type: Deletion.
Coding change: c.345del on transcript NM_000138.5 (MANE Select); coding-DNA position 345, one base deleted (C; older notation c.345delC).
Protein change: p.Ile116fs; shifts the reading frame from isoleucine 116.
Molecular consequence: frameshift variant.
Genome position (GRCh38, 1-based): chr15:48,610,729, G deleted on the plus strand (C on the coding strand, the reverse complement: FBN1 is on the minus strand); the first of 2 consecutive G bases (chr15:48,610,729-48,610,730); deleting either gives the same sequence. VCF-style (leftmost placement, unchanged base first): chr15-48610728-TG-T. GRCh37 (hg19) VCF-style: chr15-48902925-TG-T.
Other names: c.345del, p.Ile116fs (NM_001406716.1, NM_001406717.1); short protein forms I116fs.
Identifiers: ClinVar variation 2925583 (VCV002925583.3), dbSNP rs2505775559, ClinGen allele CA2695220682.